The following is an entry in ClinVar:

ClinVar aggregate classification (germline): Uncertain significance (1 of 4 stars; one submission).

Submission:

Labcorp Genetics (formerly Invitae), Labcorp
Classification: Uncertain significance. Last evaluated: 2024-04-20. Review status: criteria provided, single submitter. Criteria: Invitae Variant Classification Sherloc (09022015). Collection method: clinical testing. Allele origin: germline.
Comment: This sequence change replaces valine, which is neutral and non-polar, with methionine, which is neutral and non-polar, at codon 537 of the BEST1 protein (p.Val537Met). Information on the frequency of this variant in the gnomAD database is not available, as this variant may be reported differently in the database. This variant has not been reported in the literature in individuals affected with BEST1-related conditions. ClinVar contains an entry for this variant (Variation ID: 1354387). Experimental studies and prediction algorithms are not available or were not evaluated, and the functional significance of this variant is currently unknown. In summary, the available evidence is currently insufficient to determine the role of this variant in disease. Therefore, it has been classified as a Variant of Uncertain Significance.

NM_004183.4(BEST1):c.1608_1609inv (p.Val537Met)

Gene: BEST1 (bestrophin 1; plus strand). Cytogenetic location: 11q12.3.
Variant type: Inversion.
Coding change: c.1608_1609inv on transcript NM_004183.4 (MANE Select).
Protein change: p.Val537Met; replaces valine 537 with methionine.
Molecular consequence: missense variant. On other transcripts: non-coding transcript variant (1).
Genome position: GRCh38 VCF-style: chr11-61962762-TG-CA. GRCh37 (hg19) VCF-style: chr11-61730234-TG-CA.
Other names: c.1428_1429invTG, p.Val477Met (NM_001139443.3); c.1347_1348inv, p.Val450Met (NM_001300786.2); c.1428_1429inv, p.Val477Met (NM_001300787.2); c.1290_1291invTG, p.Val431Met (NM_001363591.3); c.*503_*504invTG (NM_001363592.2); c.636_637invTG, p.Val213Met (NM_001363593.3); short protein forms V431M, V477M, V537M, V450M, V213M.
Identifiers: ClinVar variation 1354387 (VCV001354387.5), ClinGen allele CA2573147325.
Genomic context (GRCh38, chr11:61,962,762, plus strand): 5'-CTCAGAGAGCGATGGGGCCTTGATGGAGCACCCAGAAGTATCTCAAGTGAGGAGGAAAAC[TG>CA]TGGAGTTTAACCTGACGGATATGCCAGAGATCCCCGAAAATCACCTCAAAGAACCTTTGG-3'
Protein context (NP_004174.1, residues 527-547): PEVSQVRRKT[Val537Met]EFNLTDMPEI